The following is an entry in ClinVar:

ClinVar aggregate classification (germline): Pathogenic. Review status: criteria provided, multiple submitters, no conflicts (2 of 4 stars). 2 submissions from 2 submitters: Pathogenic (2). Last evaluated 2026-03-24.

Conditions:
Fetal anomalies with a likely genetic cause.
Niemann-Pick disease, type C2 (NPC2). Identifiers: Orphanet 646, MedGen C1843366, MONDO:0011873, OMIM 607625.

Submissions (2):

Genetics Laboratory, Great Ormond Street Hospital NHS Foundation Trust, North Thames Genomic Laboratory Hub
Classification: Pathogenic for Fetal anomalies with a likely genetic cause. Last evaluated: 2026-03-24. Review status: criteria provided, single submitter. Criteria: ACGS Best Practice Guidelines for Variant Classification in Rare Disease 2024 v1.2. Collection method: clinical testing. Allele origin: germline. Affected: yes.
Comment: PM2_moderate, PVS1_very-strong

Labcorp Genetics (formerly Invitae), Labcorp
Classification: Pathogenic for Niemann-Pick disease, type C2. Last evaluated: 2022-10-13. Review status: criteria provided, single submitter. Criteria: Invitae Variant Classification Sherloc (09022015). Collection method: clinical testing. Allele origin: germline.
Comment: For these reasons, this variant has been classified as Pathogenic. ClinVar contains an entry for this variant (Variation ID: 1459810). This premature translational stop signal has been observed in individual(s) with clinical features of Niemann-Pick type C disease (PMID: 16167124). This variant is not present in population databases (gnomAD no frequency). This sequence change creates a premature translational stop signal (p.Tyr55*) in the NPC2 gene. It is expected to result in an absent or disrupted protein product. Loss-of-function variants in NPC2 are known to be pathogenic (PMID: 25145893).

Literature cited by the submitters: PubMed 16167124 (cited by Labcorp Genetics (formerly Invitae), Labcorp); PubMed 25145893 (cited by Labcorp Genetics (formerly Invitae), Labcorp).

NM_006432.5(NPC2):c.165C>G (p.Tyr55Ter)

Gene: NPC2 (NPC intracellular cholesterol transporter 2; minus strand). Cytogenetic location: 14q24.3.
Variant type: single nucleotide variant.
Coding change: c.165C>G on transcript NM_006432.5 (MANE Select); coding-DNA position 165, C replaced by G.
Protein change: p.Tyr55Ter; replaces tyrosine 55 with a stop codon.
Molecular consequence: nonsense.
Genome position (GRCh38, 1-based): chr14:74,486,354, G>C on the plus strand (C>G on the coding strand, the complement: NPC2 is on the minus strand). VCF-style: chr14-74486354-G-C. GRCh37 (hg19) VCF-style: chr14-74953057-G-C.
Other names: c.165C>G, p.Tyr55Ter (NM_001363688.1, NM_001375440.1); short protein forms Y55*.
Identifiers: ClinVar variation 1459810 (VCV001459810.10), dbSNP rs2086712268, ClinGen allele CA390532680.
Genomic context (GRCh38, chr14:74,486,354, plus strand): 5'-AACATGAATTTGAGTTAAGAGCCACTTTTACGCACTGCTGGTGAAGGTGACATTGACGCT[G>C]TAAGACTGTCCTTTGCTCAGCTGGCAGGGTTGGGTGGGGCATGGGCTCACATTCACTTCC-3'